The following is an entry in ClinVar:

ClinVar aggregate classification (germline): Likely benign (0 of 4 stars; one submission).

Conditions:
EP400-related disorder. Also called: EP400-related condition.

Allele frequency attached by ClinVar (database versions not stated): gnomAD exomes below 0.00001; gnomAD 0.00001; TOPMed 0.00001.
gnomAD v4.1: 5 of 1,607,344 alleles (0.00031%); highest among the groups gnomAD compares: Admixed American, 0.005%; no homozygotes.

Submission:

PreventionGenetics, part of Exact Sciences
Classification: Likely benign for EP400-related condition. Last evaluated: 2019-06-21. Review status: no assertion criteria provided. Collection method: clinical testing. Allele origin: germline.
Comment: This variant is classified as likely benign based on ACMG/AMP sequence variant interpretation guidelines (Richards et al. 2015 PMID: 25741868, with internal and published modifications).

NM_015409.5(EP400):c.5110-9T>G

Genes: EP400 (E1A binding protein p400; plus strand), LOC124849291 (Sharpr-MPRA regulatory region 9648; plus strand). Cytogenetic location: 12q24.33.
Variant type: single nucleotide variant.
Coding change: c.5110-9T>G on transcript NM_015409.5 (MANE Select); 9 bases into the intron before coding-DNA position 5110, T replaced by G.
Molecular consequence: intron variant.
Genome position (GRCh38, 1-based): chr12:132,028,008, T>G. VCF-style: chr12-132028008-T-G. GRCh37 (hg19) VCF-style: chr12-132512553-T-G.
Identifiers: ClinVar variation 3042464 (VCV003042464.2), dbSNP rs1312351982, ClinGen allele CA608220864.